The following is an entry in ClinVar:

ClinVar aggregate classification (germline): Likely benign. Review status: criteria provided, multiple submitters, no conflicts (2 of 4 stars). 2 submissions from 2 submitters: Likely benign (2). Last evaluated 2023-10-22.

Allele frequency attached by ClinVar (database versions not stated): ExAC 0.00003; gnomAD exomes 0.00004; gnomAD 0.00007.

Submissions (2):

Labcorp Genetics (formerly Invitae), Labcorp
Classification: Likely benign. Last evaluated: 2023-10-22. Review status: criteria provided, single submitter. Criteria: Invitae Variant Classification Sherloc (09022015). Collection method: clinical testing. Allele origin: germline.

CeGaT Center for Human Genetics Tuebingen
Classification: Likely benign. Last evaluated: 2023-02-01. Review status: criteria provided, single submitter. Criteria: CeGaT Center For Human Genetics Tuebingen Variant Classification Criteria Version 2. Collection method: clinical testing. Allele origin: germline. Affected: yes. Observed: 1 variant allele.
Comment: MAGEL2: BP4

NM_019066.5(MAGEL2):c.3656C>T (p.Ala1219Val)

Gene: MAGEL2 (MAGE family member L2; minus strand). Cytogenetic location: 15q11.2.
Variant type: single nucleotide variant.
Coding change: c.3656C>T on transcript NM_019066.5 (MANE Select); coding-DNA position 3656, C replaced by T.
Protein change: p.Ala1219Val; replaces alanine 1219 with valine.
Molecular consequence: missense variant.
Genome position (GRCh38, 1-based): chr15:23,644,087, G>A on the plus strand (C>T on the coding strand, the complement: MAGEL2 is on the minus strand). VCF-style: chr15-23644087-G-A. GRCh37 (hg19) VCF-style: chr15-23889234-G-A.
Other names: short protein forms A1219V.
Identifiers: ClinVar variation 2644977 (VCV002644977.27), dbSNP rs773964986, ClinGen allele CA7429667.